The following is an entry in ClinVar:

ClinVar aggregate classification (germline): Likely pathogenic (1 of 4 stars; one submission).

Conditions:
Dyskeratosis congenita, X-linked (DKCX). Also called: Zinsser-Cole-Engman Syndrome. Identifiers: MedGen C1148551, MONDO:0010584, OMIM 305000.

Submission:

Godley laboratory, The University of Chicago
Classification: Likely pathogenic for Dyskeratosis congenita, X-linked. Last evaluated: 2020-05-23. Review status: criteria provided, single submitter. Criteria: ACMG Guidelines, 2015. Collection method: clinical testing. Allele origin: germline. Inheritance: Autosomal dominant inheritance. Affected: yes.
Comment: The following ACMG/AMP criteria were applied: PM1, PM2, PP1, PP2, PP3.

NM_001363.5(DKC1):c.1195G>C (p.Asp399His)

Gene: DKC1 (dyskerin pseudouridine synthase 1; plus strand). Cytogenetic location: Xq28.
Variant type: single nucleotide variant.
Coding change: c.1195G>C on transcript NM_001363.5 (MANE Select); coding-DNA position 1195, G replaced by C.
Protein change: p.Asp399His; replaces aspartic acid 399 with histidine.
Molecular consequence: missense variant. On other transcripts: non-coding transcript variant (3).
Genome position (GRCh38, 1-based): chrX:154,774,641, G>C. VCF-style: chrX-154774641-G-C. GRCh37 (hg19) VCF-style: chrX-154002916-G-C.
Other names: c.1195G>C, p.Asp399His (NM_001142463.3, NM_001288747.2); short protein forms D399H.
Identifiers: ClinVar variation 916631 (VCV000916631.2), dbSNP rs2071871731, ClinGen allele CA414898040.